The following is an entry in ClinVar:

NM_005876.5(SPEG):c.5876C>G (p.Ala1959Gly)

Genes: ASIC4-AS1 (ASIC4 antisense RNA 1; minus strand), SPEG (striated muscle enriched protein kinase; plus strand). Cytogenetic location: 2q35.
Variant type: single nucleotide variant.
Coding change: c.5876C>G on transcript NM_005876.5 (MANE Select); coding-DNA position 5876, C replaced by G.
Protein change: p.Ala1959Gly; replaces alanine 1959 with glycine.
Molecular consequence: missense variant.
Genome position (GRCh38, 1-based): chr2:219,483,339, C>G. VCF-style: chr2-219483339-C-G. GRCh37 (hg19) VCF-style: chr2-220348061-C-G.
Other names: short protein forms A1959G.
Identifiers: ClinVar variation 1398911 (VCV001398911.6), dbSNP rs200949797, ClinGen allele CA2126965.
Genomic context (GRCh38, chr2:219,483,339, plus strand): 5'-TGCAGCCCGAGTTCTCTGGCTCCCGGGTGTCCCTCACAGACATTCCCACTGAGGATGAGG[C>G]CCTGGGGACCCCAGAGACTGGGGCTGCCACCCCCATGGACTGGCAGGAGCAGGGAAGGGC-3'
Protein context (NP_005867.3, residues 1949-1969): SLTDIPTEDE[Ala1959Gly]LGTPETGAAT

ClinVar aggregate classification (germline): Uncertain significance. Review status: criteria provided, multiple submitters, no conflicts (2 of 4 stars). 2 submissions from 2 submitters: Uncertain significance (2). Last evaluated 2022-07-19.

Allele frequency attached by ClinVar (database versions not stated): gnomAD exomes below 0.00001; ExAC 0.00001; TOPMed 0.00001; gnomAD 0.00002 and 0.00003.
gnomAD v4.1: 22 of 1,604,780 alleles (0.0014%); highest among the groups gnomAD compares: Middle Eastern, 0.083%; no homozygotes.

Submissions (2):

Labcorp Genetics (formerly Invitae), Labcorp
Classification: Uncertain significance. Last evaluated: 2022-07-19. Review status: criteria provided, single submitter. Criteria: Invitae Variant Classification Sherloc (09022015). Collection method: clinical testing. Allele origin: germline.
Comment: This sequence change replaces alanine, which is neutral and non-polar, with glycine, which is neutral and non-polar, at codon 1959 of the SPEG protein (p.Ala1959Gly). This variant is present in population databases (rs200949797, gnomAD 0.001%). This variant has not been reported in the literature in individuals affected with SPEG-related conditions. ClinVar contains an entry for this variant (Variation ID: 1398911). Algorithms developed to predict the effect of missense changes on protein structure and function are either unavailable or do not agree on the potential impact of this missense change (SIFT: "Deleterious"; PolyPhen-2: "Benign"; Align-GVGD: "Class C0"). In summary, the available evidence is currently insufficient to determine the role of this variant in disease. Therefore, it has been classified as a Variant of Uncertain Significance.

Breakthrough Genomics
Classification: Uncertain significance. Review status: criteria provided, single submitter. Criteria: ACMG Guidelines, 2015. Collection method: not provided. Allele origin: germline. Inheritance: Autosomal recessive inheritance. Affected: yes.